The following is an entry in ClinVar:

ClinVar aggregate classification (germline): Uncertain significance. Review status: criteria provided, multiple submitters, no conflicts (2 of 4 stars). 2 submissions from 2 submitters: Uncertain significance (2). Last evaluated 2026-05-21.

Conditions:
Inborn genetic diseases. Identifiers: MedGen C0950123, MeSH D030342.

Allele frequency attached by ClinVar (database versions not stated): gnomAD 0.00003.
gnomAD v4.1: 57 of 1,613,876 alleles (0.0035%); highest among the groups gnomAD compares: Admixed American, 0.03%; no homozygotes.

Submissions (2):

Ambry Genetics
Classification: Uncertain significance for Inborn genetic diseases. Last evaluated: 2026-05-21. Review status: criteria provided, single submitter. Criteria: Ambry Variant Classification Scheme 2023. Collection method: clinical testing. Allele origin: germline.
Comment: The c.1717G>C (p.A573P) alteration is located in exon 1 (coding exon 1) of the PPP1R15B gene. This alteration results from a G to C substitution at nucleotide position 1717, causing the alanine (A) at amino acid position 573 to be replaced by a proline (P). Based on data from gnomAD, the C allele has an overall frequency of 0.009% (24/282774) total alleles studied. The highest observed frequency was 0.077% (8/10368) of Ashkenazi Jewish alleles. This amino acid position is highly conserved in available vertebrate species. The in silico prediction for this alteration is inconclusive. Based on insufficient or conflicting evidence, the clinical significance of this alteration remains unclear.

Labcorp Genetics (formerly Invitae), Labcorp
Classification: Uncertain significance. Last evaluated: 2023-10-13. Review status: criteria provided, single submitter. Criteria: Invitae Variant Classification Sherloc (09022015). Collection method: clinical testing. Allele origin: germline.
Comment: This sequence change replaces alanine, which is neutral and non-polar, with proline, which is neutral and non-polar, at codon 573 of the PPP1R15B protein (p.Ala573Pro). This variant is present in population databases (rs749898755, gnomAD 0.08%), and has an allele count higher than expected for a pathogenic variant. This variant has not been reported in the literature in individuals affected with PPP1R15B-related conditions. ClinVar contains an entry for this variant (Variation ID: 2063158). Advanced modeling of protein sequence and biophysical properties (such as structural, functional, and spatial information, amino acid conservation, physicochemical variation, residue mobility, and thermodynamic stability) performed at Invitae indicates that this missense variant is expected to disrupt PPP1R15B protein function. In summary, the available evidence is currently insufficient to determine the role of this variant in disease. Therefore, it has been classified as a Variant of Uncertain Significance.

NM_032833.5(PPP1R15B):c.1717G>C (p.Ala573Pro)

Gene: PPP1R15B (protein phosphatase 1 regulatory subunit 15B; minus strand). Cytogenetic location: 1q32.1.
Variant type: single nucleotide variant.
Coding change: c.1717G>C on transcript NM_032833.5 (MANE Select); coding-DNA position 1717, G replaced by C.
Protein change: p.Ala573Pro; replaces alanine 573 with proline.
Molecular consequence: missense variant.
Genome position (GRCh38, 1-based): chr1:204,409,695, C>G on the plus strand (G>C on the coding strand, the complement: PPP1R15B is on the minus strand). VCF-style: chr1-204409695-C-G. GRCh37 (hg19) VCF-style: chr1-204378823-C-G.
Other names: short protein forms A573P.
Identifiers: ClinVar variation 2063158 (VCV002063158.6), dbSNP rs749898755, ClinGen allele CA1346584.